The following is an entry in ClinVar:

NM_000136.3(FANCC):c.169T>C (p.Ser57Pro)

Gene: FANCC (FA complementation group C; minus strand). Cytogenetic location: 9q22.32.
Variant type: single nucleotide variant.
Coding change: c.169T>C on transcript NM_000136.3 (MANE Select); coding-DNA position 169, T replaced by C.
Protein change: p.Ser57Pro; replaces serine 57 with proline.
Molecular consequence: missense variant.
Genome position (GRCh38, 1-based): chr9:95,247,513, A>G on the plus strand (T>C on the coding strand, the complement: FANCC is on the minus strand). VCF-style: chr9-95247513-A-G. GRCh37 (hg19) VCF-style: chr9-98009795-A-G.
Other names: c.169T>C, p.Ser57Pro (NM_001243743.2, NM_001243744.2); short protein forms S57P.
Identifiers: ClinVar variation 1778321 (VCV001778321.2), dbSNP rs1356447246, ClinGen allele CA374340163.
Genomic context (GRCh38, chr9:95,247,513, plus strand): 5'-TCCAACAAGCTTTTGCCAACAGTTGACCAATTGTGGGGAATCTTTCAATGACTGTATTAG[A>G]ATCCTGTGAAAGAAAAATAAATTTTGGTCAGTAAAGGCATTATGCAACTTAGAAATACTG-3'
Protein context (NP_000127.2, residues 47-67): KMYEALKEMD[Ser57Pro]NTVIERFPTI

ClinVar aggregate classification (germline): Uncertain significance (1 of 4 stars; one submission).

Conditions:
Hereditary cancer-predisposing syndrome. Also called: Neoplastic Syndromes, Hereditary; Tumor predisposition; Hereditary Cancer Syndrome; Hereditary neoplastic syndrome. Identifiers: Orphanet 140162, MedGen C0027672, MeSH D009386, MONDO:0015356.

gnomAD v4.1: 1 of 1,611,910 alleles (0.000062%); highest among the groups gnomAD compares: Admixed American, 0.0017%; no homozygotes.

Submission:

Ambry Genetics
Classification: Uncertain significance for Hereditary cancer-predisposing syndrome. Last evaluated: 2021-09-01. Review status: criteria provided, single submitter. Criteria: Ambry Variant Classification Scheme 2023. Collection method: clinical testing. Allele origin: germline.
Comment: The p.S57P variant (also known as c.169T>C), located in coding exon 2 of the FANCC gene, results from a T to C substitution at nucleotide position 169. The serine at codon 57 is replaced by proline, an amino acid with similar properties. This amino acid position is conserved. In addition, this alteration is predicted to be tolerated by in silico analysis. Since supporting evidence is limited at this time, the clinical significance of this alteration remains unclear.